The following is an entry in ClinVar:

NM_001174089.2(SLC4A11):c.514C>T (p.Arg172Trp)

Gene: SLC4A11 (solute carrier family 4 member 11; minus strand). Cytogenetic location: 20p13.
Variant type: single nucleotide variant.
Coding change: c.514C>T on transcript NM_001174089.2 (MANE Select); coding-DNA position 514, C replaced by T.
Protein change: p.Arg172Trp; replaces arginine 172 with tryptophan.
Molecular consequence: missense variant. On other transcripts: non-coding transcript variant (3).
Genome position (GRCh38, 1-based): chr20:3,234,092, G>A on the plus strand (C>T on the coding strand, the complement: SLC4A11 is on the minus strand). VCF-style: chr20-3234092-G-A. GRCh37 (hg19) VCF-style: chr20-3214738-G-A.
Other names: c.643C>T, p.Arg215Trp (NM_001174090.2, NM_001400280.1); c.514C>T, p.Arg172Trp (NM_001363745.2); c.457C>T, p.Arg153Trp (NM_001400277.1, NM_001400278.1, NM_001400279.1); c.562C>T, p.Arg188Trp (NM_032034.4); short protein forms R153W, R172W, R188W, R215W.
Identifiers: ClinVar variation 2652171 (VCV002652171.24), dbSNP rs200372280, ClinGen allele CA9742270.

ClinVar aggregate classification (germline): Likely benign (1 of 4 stars; one submission).

Allele frequency attached by ClinVar (database versions not stated): gnomAD 0.00004; TOPMed 0.00005; ESP Exome Variant Server 0.00008; ExAC 0.00010; 1000 Genomes Project 30x 0.00016; 1000 Genomes Project 0.00020.
gnomAD v4.1: 72 of 1,613,906 alleles (0.0045%); highest among the groups gnomAD compares: East Asian, 0.036%; no homozygotes.

Submission:

CeGaT Center for Human Genetics Tuebingen
Classification: Likely benign. Last evaluated: 2023-02-01. Review status: criteria provided, single submitter. Criteria: CeGaT Center For Human Genetics Tuebingen Variant Classification Criteria Version 2. Collection method: clinical testing. Allele origin: germline. Affected: yes. Observed: 1 variant allele.
Comment: SLC4A11: BP4